The following is an entry in ClinVar:

ClinVar aggregate classification (germline): Uncertain significance. Review status: criteria provided, multiple submitters, no conflicts (2 of 4 stars). 3 submissions from 3 submitters: Uncertain significance (2). 1 of the submissions does not count toward it. Last evaluated 2025-05-28.

Conditions:
Catecholaminergic polymorphic ventricular tachycardia 1. Also called: RYR2-Related Catecholaminergic Polymorphic Ventricular Tachycardia; VENTRICULAR TACHYCARDIA, STRESS-INDUCED POLYMORPHIC 1; VENTRICULAR TACHYCARDIA, CATECHOLAMINERGIC POLYMORPHIC, 1, WITH OR WITHOUT ATRIAL DYSFUNCTION AND/OR DILATED CARDIOMYOPATHY. Identifiers: Orphanet 3286, MedGen C1631597, MONDO:0011484, OMIM 604772.
Cardiovascular phenotype. Identifiers: MedGen CN230736.

Allele frequency attached by ClinVar (database versions not stated): TOPMed below 0.00001; gnomAD exomes 0.00003.
gnomAD v4.1: 42 of 1,557,024 alleles (0.0027%); highest among the groups gnomAD compares: Non-Finnish European, 0.0034%; no homozygotes.

Submissions (3):

Ambry Genetics
Classification: Uncertain significance for Cardiovascular phenotype. Last evaluated: 2025-05-28. Review status: criteria provided, single submitter. Criteria: Ambry Variant Classification Scheme 2023. Collection method: clinical testing. Allele origin: germline.
Comment: The c.1166-1G>A intronic variant results from a G to A substitution one nucleotide upstream from coding exon 16 of the TRDN gene. This nucleotide position is poorly conserved in available vertebrate species. In silico splice site analysis predicts that this alteration will weaken the native splice acceptor site. Alterations that disrupt the canonical splice site are expected to cause aberrant splicing, resulting in an abnormal protein or a transcript that is subject to nonsense-mediated mRNA decay. However, this alteration does not impact the predominant cardiac isoform ofTRDN(NM_001256021.1; Kobayashi YM et al. J. Biol. Chem., 1999 Oct;274:28660-8). Based on the available evidence, the clinical significance of this variant remains unclear.

Labcorp Genetics (formerly Invitae), Labcorp
Classification: Uncertain significance for Catecholaminergic polymorphic ventricular tachycardia 1. Last evaluated: 2021-02-22. Review status: criteria provided, single submitter. Criteria: Invitae Variant Classification Sherloc (09022015). Collection method: clinical testing. Allele origin: germline.
Comment: In summary, the available evidence is currently insufficient to determine the role of this variant in disease. Therefore, it has been classified as a Variant of Uncertain Significance. Algorithms developed to predict the effect of sequence changes on RNA splicing suggest that this variant may disrupt the consensus splice site, but this prediction has not been confirmed by published transcriptional studies. This variant has not been reported in the literature in individuals with TRDN-related conditions. ClinVar contains an entry for this variant (Variation ID: 647284). This variant is not present in population databases (ExAC no frequency). This sequence change affects an acceptor splice site in intron 15 of the TRDN gene. It is expected to disrupt RNA splicing. Variants that disrupt the donor or acceptor splice site typically lead to a loss of protein function (PMID: 16199547). This variant occurs in the long isoform of TRDN, also known as Trisk-95 (PMID: 19403623). The current clinical and genetic evidence is not sufficient to establish whether loss-of-function variants in the long isoform of TRDN cause disease.

AiLife Diagnostics
Classification: Likely pathogenic. Last evaluated: 2021-11-02. Review status: flagged submission. Criteria: ACMG Guidelines, 2015. Collection method: clinical testing. Allele origin: germline. Affected: yes. Observed: 1 variant allele. Not counted in ClinVar's aggregate classification.
ClinVar note: Notes: This variant occurs in exons 9-41 of the MANE Select NM_006073.4 transcript but no valid P/LP variants have been reported due to the predominant transcript in cardiac tissue being one with only 8 exons (NM_001256021.1). Please provide evidence to support this claim.
ClinVar note: Reason: Claim with insufficient supporting evidence

Literature cited by the submitters: PubMed 16199547 (cited by Labcorp Genetics (formerly Invitae), Labcorp); PubMed 19403623 (cited by Labcorp Genetics (formerly Invitae), Labcorp).

NM_006073.4(TRDN):c.1166-1G>A

Gene: TRDN (triadin; minus strand). Cytogenetic location: 6q22.31.
Variant type: single nucleotide variant.
Coding change: c.1166-1G>A on transcript NM_006073.4 (MANE Select); the canonical splice acceptor site of the intron before coding-DNA position 1166, G replaced by A.
Molecular consequence: splice acceptor variant.
Genome position (GRCh38, 1-based): chr6:123,381,391, C>T on the plus strand (G>A on the coding strand, the complement: TRDN is on the minus strand). VCF-style: chr6-123381391-C-T. GRCh37 (hg19) VCF-style: chr6-123702536-C-T.
Other names: c.1109-1G>A (NM_001407315.1); c.1169-1G>A (NM_001251987.2).
Identifiers: ClinVar variation 647284 (VCV000647284.12), dbSNP rs1298986609, ClinGen allele CA365566714.